The following is an entry in ClinVar:

ClinVar aggregate classification (germline): Pathogenic. Review status: criteria provided, multiple submitters, no conflicts (2 of 4 stars). 10 submissions from 10 submitters: Pathogenic (9). 1 of the submissions does not count toward it. Last evaluated 2025-04-23.

Conditions:
AHI1-related disorder. Also called: AHI1-related condition.
Joubert syndrome 3 (JBTS3). Also called: AHI1-related Ciliopathy. Identifiers: Orphanet 220493, MedGen C1837713, MONDO:0012078, OMIM 608629.
Joubert syndrome. Also called: JOUBERT-BOLTSHAUSER SYNDROME; Familial aplasia of the vermis. Identifiers: Orphanet 475, MedGen C5979921, MONDO:0018772.
Rod-cone dystrophy. Identifiers: MedGen C4551714, HP:0000510.

Allele frequency attached by ClinVar (database versions not stated): ExAC 0.00001; gnomAD 0.00001; gnomAD exomes 0.00001 and below 0.00001; TOPMed 0.00002.
gnomAD v4.1: 11 of 1,610,624 alleles (0.00068%); highest among the groups gnomAD compares: African/African-American, 0.0054%; no homozygotes.

Submissions (10):

Labcorp Genetics (formerly Invitae), Labcorp
Classification: Pathogenic for Joubert syndrome. Last evaluated: 2025-04-23. Review status: criteria provided, single submitter. Criteria: Invitae Variant Classification Sherloc (09022015). Collection method: clinical testing. Allele origin: germline.
Comment: This sequence change creates a premature translational stop signal (p.Arg589*) in the AHI1 gene. It is expected to result in an absent or disrupted protein product. Loss-of-function variants in AHI1 are known to be pathogenic (PMID: 15322546, 16453322, 28442542, 29186038). This variant is present in population databases (rs267606641, gnomAD 0.007%). This premature translational stop signal has been observed in individual(s) with Joubert syndrome-related disorders (PMID: 16453322). ClinVar contains an entry for this variant (Variation ID: 2014). Algorithms developed to predict the effect of sequence changes on RNA splicing suggest that this variant may disrupt the consensus splice site. For these reasons, this variant has been classified as Pathogenic.

3billion
Classification: Pathogenic for Joubert syndrome 3. Last evaluated: 2024-09-02. Review status: criteria provided, single submitter. Criteria: ACMG Guidelines, 2015. Collection method: clinical testing. Allele origin: germline. Affected: yes.
Comment: The variant is observed at an extremely low frequency in the gnomAD v4.0.0 dataset (total allele frequency: <0.001%). Predicted Consequence/Location: Stop-gained (nonsense): predicted to result in a loss or disruption of normal protein function through nonsense-mediated decay (NMD) or protein truncation. Multiple pathogenic variants are reported downstream of the variant. The variant has been reported at least twice as pathogenic with clinical assertions and evidence for the classification (ClinVar ID: VCV000002014 /PMID: 16453322). Therefore, this variant is classified as Pathogenic according to the recommendation of ACMG/AMP guideline.

Myriad Genetics, Inc.
Classification: Pathogenic for Joubert syndrome 3. Last evaluated: 2024-05-15. Review status: criteria provided, single submitter. Criteria: Myriad Autosomal Dominant, Autosomal Recessive and X-Linked Classification Criteria (2023). Collection method: clinical testing. Allele origin: unknown.
Comment: NM_001134831.1(AHI1):c.1765C>T(R589*) is expected to be pathogenic in the context of Joubert syndrome, AHI1-related. This variant is predicted to lead to an abnormal or absent protein product due to the creation of a premature termination codon in AHI1, a gene where loss-of-function variants are known to be pathogenic. Please note: this variant was assessed in the context of healthy population screening.

Fulgent Genetics
Classification: Pathogenic for Joubert syndrome 3. Last evaluated: 2024-03-06. Review status: criteria provided, single submitter. Criteria: ACMG Guidelines, 2015. Collection method: clinical testing. Allele origin: germline.

GeneDx
Classification: Pathogenic. Last evaluated: 2023-01-06. Review status: criteria provided, single submitter. Criteria: GeneDx Variant Classification Process June 2021. Collection method: clinical testing. Allele origin: germline. Affected: yes.
Comment: Published functional studies in a zebrafish model demonstrate shorter cone outer segments (Lessieur et al., 2017); Nonsense variant predicted to result in protein truncation or nonsense mediated decay in a gene for which loss-of-function is a known mechanism of disease; Not observed at significant frequency in large population cohorts (gnomAD); This variant is associated with the following publications: (PMID: 25525159, 32404165, 16453322, 28118669)

Broad Center for Mendelian Genomics, Broad Institute of MIT and Harvard
Classification: Pathogenic for Joubert syndrome 3. Last evaluated: 2022-05-04. Review status: criteria provided, single submitter. Criteria: ACMG Guidelines, 2015. Collection method: curation. Allele origin: germline. Inheritance: Autosomal recessive inheritance.
Comment: The homozygous p.Arg589Ter variant in AHI1 was identified by our study in 2 family members with Joubert syndrome 3. Although this variant has been seen in the general population, its frequency is low enough to be consistent with a recessive carrier frequency. This variant has also been reported in ClinVar (Variation ID: 2014) as pathogenic by GeneDx and OMIM. Animal models in zebrafish have shown that this variant causes Joubert syndrome 3 (PMID: 28118669). This nonsense variant leads to a premature termination codon at position 589, which is predicted to lead to a truncated or absent protein. Loss of function of the AHI1 gene is an established disease mechanism in autosomal recessive Joubert syndrome 3. The presence of this variant in 2 affected homozygotes, and in 2 individuals with Joubert syndrome 3 increases the likelihood that the p.Arg589Ter variant is pathogenic (PMID: 16453322). In summary, this variant meets criteria to be classified as pathogenic for Joubert syndrome 3 in an autosomal recessive manner based on the predicted impact of the variant, its low frequency in control populations, and multiple homozygous occurrences in individuals with Joubert syndrome 3. ACMG/AMP Criteria applied: PVS1, PS3, PM2, PM3 (Richards 2015).

Blueprint Genetics
Classification: Pathogenic for AHI1-related disorders. Last evaluated: 2021-09-08. Review status: criteria provided, single submitter. Criteria: ACMG Guidelines, 2015. Collection method: clinical testing. Allele origin: germline. Affected: yes. Observed: 2 variant alleles.

Ocular Genomics Institute, Massachusetts Eye and Ear
Classification: Pathogenic for Rod-cone dystrophy. Last evaluated: 2021-04-08. Review status: criteria provided, single submitter. Criteria: ACMG Guidelines, 2015. Collection method: research. Allele origin: germline. Affected: yes.
Comment: Through a review of available evidence we were able to apply the following criteria: PVS1 , PP1, PS3 , PP3, PM2. Based on this evidence we have classified this variant as Pathogenic.

Lifecell International Pvt. Ltd
Classification: Pathogenic for Joubert syndrome 3. Review status: criteria provided, single submitter. Criteria: ACMG Guidelines, 2015. Collection method: clinical testing. Allele origin: germline. Inheritance: Autosomal recessive inheritance. Affected: yes. Observed: 1 homozygote.
Comment: A Homozygote Nonsense variant c.1765C>T in Exon 12 of the AHI1 gene that results in the amino acid substitution p.Arg589* was identified. The observed variant has a minor allele frequency of 0.0000% in gnomAD exomes and genomes, respectively. The severity of the impact of this variant on the protein is high, based on the effect of the protein and REVEL score . Rare Exome Variant Ensemble Learner (REVEL) is an ensembl method for predicting the pathogenicity of missense variants based on a combination of scores from 13 individual tools: MutPred, FATHMM v2.3, VEST 3.0, PolyPhen-2, SIFT, PROVEAN, MutationAssessor, LRT, GERP++, SiPhy, phyloP, and phastCons. The REVEL score for an individual missense variant can range from 0 to 1, with higher scores reflecting greater likelihood that the variant is disease-causing. The variant has been reported to ClinVar as Pathogenic with a status of (2 stars) criteria provided, multiple submitters, no conflicts (Variation ID 2014 as of 2022-05-16). The homozygous p.Arg589Ter variant in AHI1 was identified previously in patients with Joubert syndrome 3 (Valente, Enza Maria et al., 2006). Nonsense variant predicted to result in protein truncation or nonsense mediated decay in a gene for which loss-of-function is a known mechanism of disease (Lessieur, Emma M et al., 2017). Based on the above evidence this variant has been classified as Pathogenic according to the ACMG guidelines.

OMIM
Classification: Pathogenic for JOUBERT SYNDROME 3. Last evaluated: 2006-03-01. Review status: no assertion criteria provided. Collection method: literature only. Allele origin: germline. Not counted in ClinVar's aggregate classification.

Literature cited by the submitters: PubMed 15322546 (cited by Labcorp Genetics (formerly Invitae), Labcorp); PubMed 16453322 (cited by 5 submitters); PubMed 28442542 (cited by Labcorp Genetics (formerly Invitae), Labcorp); PubMed 29186038 (cited by Labcorp Genetics (formerly Invitae), Labcorp); PubMed 25525159 (cited by Ocular Genomics Institute, Massachusetts Eye and Ear); PubMed 28118669 (cited by Ocular Genomics Institute, Massachusetts Eye and Ear and Lifecell International Pvt. Ltd).

NM_001134831.2(AHI1):c.1765C>T (p.Arg589Ter)

Gene: AHI1 (Abelson helper integration site 1; minus strand). Cytogenetic location: 6q23.3.
Variant type: single nucleotide variant.
Coding change: c.1765C>T on transcript NM_001134831.2 (MANE Select); coding-DNA position 1765, C replaced by T.
Protein change: p.Arg589Ter; replaces arginine 589 with a stop codon.
Molecular consequence: nonsense.
Genome position (GRCh38, 1-based): chr6:135,447,022, G>A on the plus strand (C>T on the coding strand, the complement: AHI1 is on the minus strand). VCF-style: chr6-135447022-G-A. GRCh37 (hg19) VCF-style: chr6-135768160-G-A.
Other names: NM_001134831.2(AHI1):c.1765C>T; p.Arg589Ter; c.1765C>T, p.Arg589Ter (NM_001134830.2, NM_001134832.2, NM_001350503.2 and 2 more transcripts); short protein forms R589*.
Identifiers: ClinVar variation 2014 (VCV000002014.19), dbSNP rs267606641, ClinGen allele CA252046.